The following is an entry in ClinVar:

ClinVar aggregate classification (germline): Uncertain significance (1 of 4 stars; one submission).

Submission:

Labcorp Genetics (formerly Invitae), Labcorp
Classification: Uncertain significance. Last evaluated: 2021-09-09. Review status: criteria provided, single submitter. Criteria: Invitae Variant Classification Sherloc (09022015). Collection method: clinical testing. Allele origin: germline.
Comment: In summary, the available evidence is currently insufficient to determine the role of this variant in disease. Therefore, it has been classified as a Variant of Uncertain Significance. This variant has not been reported in the literature in individuals affected with SOX17-related conditions. A gross deletion of the genomic region encompassing the full coding sequence of the SOX17 gene has been identified. The current clinical and genetic evidence is not sufficient to establish whether loss-of-function variants in SOX17 cause disease. The boundaries of this event are unknown as they extend beyond the assayed region for this gene and therefore may encompass additional genes.

NC_000008.10:g.(?_55370699)_(55372555_?)del

Gene: SOX17 (SRY-box transcription factor 17; plus strand). Cytogenetic location: 8q11.23.
Variant type: Deletion.
Identifiers: ClinVar variation 1444964 (VCV001444964.4).